The following is an entry in ClinVar:

ClinVar aggregate classification (germline): Uncertain significance (1 of 4 stars; one submission).

Conditions:
Familial thoracic aortic aneurysm and aortic dissection (TAAD). Also called: Thoracic aortic aneurysms and dissections. Identifiers: Orphanet 91387, MedGen C4707243, MONDO:0019625.

Submission:

Ambry Genetics
Classification: Uncertain significance for Familial thoracic aortic aneurysm and aortic dissection. Last evaluated: 2026-07-02. Review status: criteria provided, single submitter. Criteria: Ambry Variant Classification Scheme 2023. Collection method: clinical testing. Allele origin: germline.
Comment: The p.D87N variant (also known as c.259G>A), located in coding exon 3 of the TGFBR2 gene, results from a G to A substitution at nucleotide position 259. The aspartic acid at codon 87 is replaced by asparagine, an amino acid with highly similar properties. This amino acid position is conserved. In addition, this alteration is predicted to be tolerated by in silico analysis. Based on the available evidence, the clinical significance of this variant remains unclear.

NM_003242.6(TGFBR2):c.184G>A (p.Asp62Asn)

Gene: TGFBR2 (transforming growth factor beta receptor 2; plus strand). Cytogenetic location: 3p24.1.
Variant type: single nucleotide variant.
Coding change: c.184G>A on transcript NM_003242.6 (MANE Select); coding-DNA position 184, G replaced by A.
Protein change: p.Asp62Asn; replaces aspartic acid 62 with asparagine.
Molecular consequence: missense variant. On other transcripts: intron variant (2).
Genome position (GRCh38, 1-based): chr3:30,644,836, G>A. VCF-style: chr3-30644836-G-A. GRCh37 (hg19) VCF-style: chr3-30686328-G-A.
Other names: c.259G>A, p.Asp87Asn (NM_001024847.3, NM_001407126.1, NM_001407139.1); c.184G>A, p.Asp62Asn (NM_001407127.1, NM_001407130.1); c.211G>A, p.Asp71Asn (NM_001407128.1); c.79G>A, p.Asp27Asn (NM_001407129.1, NM_001407132.1, NM_001407133.1 and 3 more transcripts); c.169+21563G>A (NM_001407137.1); c.95-26802G>A (NM_001407138.1); short protein forms D62N, D87N, D27N, D71N.
Identifiers: ClinVar variation 5030837 (VCV005030837.1).